The following is an entry in ClinVar:

NM_152564.5(VPS13B):c.368G>A (p.Arg123Gln)

Gene: VPS13B (vacuolar protein sorting 13 homolog B; plus strand). Cytogenetic location: 8q22.2.
Variant type: single nucleotide variant.
Coding change: c.368G>A on transcript NM_152564.5 (MANE Select); coding-DNA position 368, G replaced by A.
Protein change: p.Arg123Gln; replaces arginine 123 with glutamine.
Molecular consequence: missense variant. On other transcripts: non-coding transcript variant (1).
Genome position (GRCh38, 1-based): chr8:99,096,388, G>A. VCF-style: chr8-99096388-G-A. GRCh37 (hg19) VCF-style: chr8-100108616-G-A.
Other names: c.368G>A, p.Arg123Gln (NM_015243.3, NM_017890.5, NM_181661.3); short protein forms R123Q.
Identifiers: ClinVar variation 2162321 (VCV002162321.1), dbSNP rs767654043, ClinGen allele CA4822356.

ClinVar aggregate classification (germline): Uncertain significance (1 of 4 stars; one submission).

Conditions:
Cohen syndrome (COH1). Also called: Cutis verticis gyrata, retinitis pigmentosa, and sensorineural deafness; PEPPER SYNDROME. Identifiers: Orphanet 193, MedGen C0265223, MONDO:0008999, OMIM 216550.

Allele frequency attached by ClinVar (database versions not stated): ExAC 0.00001; TOPMed 0.00001; gnomAD 0.00004.
gnomAD v4.1: 48 of 1,613,922 alleles (0.003%); highest among the groups gnomAD compares: South Asian, 0.0033%; no homozygotes.

Submission:

Labcorp Genetics (formerly Invitae), Labcorp
Classification: Uncertain significance for Cohen syndrome. Last evaluated: 2022-10-05. Review status: criteria provided, single submitter. Criteria: Invitae Variant Classification Sherloc (09022015). Collection method: clinical testing. Allele origin: germline.
Comment: This sequence change replaces arginine, which is basic and polar, with glutamine, which is neutral and polar, at codon 123 of the VPS13B protein (p.Arg123Gln). This variant is present in population databases (rs767654043, gnomAD 0.03%). This variant has not been reported in the literature in individuals affected with VPS13B-related conditions. Advanced modeling of protein sequence and biophysical properties (such as structural, functional, and spatial information, amino acid conservation, physicochemical variation, residue mobility, and thermodynamic stability) performed at Invitae indicates that this missense variant is expected to disrupt VPS13B protein function. Algorithms developed to predict the effect of sequence changes on RNA splicing suggest that this variant may create or strengthen a splice site. In summary, the available evidence is currently insufficient to determine the role of this variant in disease. Therefore, it has been classified as a Variant of Uncertain Significance.